The following is an entry in ClinVar:

NM_001267550.2(TTN):c.61556G>A (p.Arg20519Gln)

Genes: TTN (titin; minus strand), TTN-AS1 (TTN antisense RNA 1; plus strand). Cytogenetic location: 2q31.2.
Variant type: single nucleotide variant.
Coding change: c.61556G>A on transcript NM_001267550.2 (MANE Select); coding-DNA position 61556, G replaced by A.
Protein change: p.Arg20519Gln; replaces arginine 20519 with glutamine.
Molecular consequence: missense variant.
Genome position (GRCh38, 1-based): chr2:178,590,169, C>T on the plus strand (G>A on the coding strand, the complement: TTN is on the minus strand). VCF-style: chr2-178590169-C-T. GRCh37 (hg19) VCF-style: chr2-179454896-C-T.
Other names: c.56633G>A, p.Arg18878Gln (NM_001256850.1); c.34361G>A, p.Arg11454Gln (NM_003319.4); c.53852G>A, p.Arg17951Gln (NM_133378.4); c.34736G>A, p.Arg11579Gln (NM_133432.3); c.34937G>A, p.Arg11646Gln (NM_133437.4); short protein forms R17951Q, R20519Q, R11646Q, R11454Q, R18878Q, R11579Q.
Identifiers: ClinVar variation 167776 (VCV000167776.17), dbSNP rs727504191, ClinGen allele CA235093.

ClinVar aggregate classification (germline): Conflicting classifications of pathogenicity. Review status: criteria provided, conflicting classifications (1 of 4 stars). 9 submissions from 5 submitters: Uncertain significance (8); Likely benign (1). Last evaluated 2021-12-15.

Conditions:
Cardiovascular phenotype. Identifiers: MedGen CN230736.
Autosomal recessive limb-girdle muscular dystrophy type 2J (LGMDR10). Also called: MUSCULAR DYSTROPHY, LIMB-GIRDLE, AUTOSOMAL RECESSIVE 10; Limb-girdle muscular dystrophy, type 2J. Identifiers: Orphanet 140922, MedGen C1837342, MONDO:0012127, OMIM 608807.
Dilated cardiomyopathy 1G (CMD1G). Identifiers: Orphanet 154, MedGen C1858763, MONDO:0011400, OMIM 604145.
Early-onset myopathy with fatal cardiomyopathy (CMYO5). Also called: CONGENITAL MYOPATHY 5 WITH CARDIOMYOPATHY; Salih Myopathy. Identifiers: Orphanet 289377, MedGen C2673677, MONDO:0012714, OMIM 611705. Disease mechanism: loss of function.
Myopathy, myofibrillar, 9, with early respiratory failure (MFM9). Also called: Hereditary myopathy with early respiratory failure; EDSTROM MYOPATHY; Myopathy, distal, with early respiratory failure, autosomal dominant; MYOPATHY, PROXIMAL, WITH EARLY RESPIRATORY MUSCLE INVOLVEMENT. Identifiers: Orphanet 178464, Orphanet 34521, MedGen C1863599, MONDO:0011362, OMIM 603689.
Tibial muscular dystrophy (TMD). Also called: Udd Distal Myopathy – Tibial Muscular Dystrophy; Tibial muscular dystrophy, tardive; UDD MYOPATHY. Identifiers: Orphanet 609, MedGen C1838244, MONDO:0010870, OMIM 600334.

Allele frequency attached by ClinVar (database versions not stated): gnomAD exomes 0.00002 and 0.00005; gnomAD 0.00017 and 0.00016; TOPMed 0.00010.
gnomAD v4.1: 49 of 1,612,212 alleles (0.003%); highest among the groups gnomAD compares: Admixed American, 0.06%; no homozygotes.

Submissions (9):

Revvity Omics, Revvity
Classification: Uncertain significance. Last evaluated: 2021-12-15. Review status: criteria provided, single submitter. Criteria: ACMG Guidelines, 2015. Collection method: clinical testing. Allele origin: germline.

Ambry Genetics
Classification: Uncertain significance for Cardiovascular phenotype. Last evaluated: 2019-07-17. Review status: criteria provided, single submitter. Criteria: Ambry Variant Classification Scheme 2023. Collection method: clinical testing. Allele origin: germline.
Comment: The p.R11454Q variant (also known as c.34361G>A), located in coding exon 131 of the TTN gene, results from a G to A substitution at nucleotide position 34361. The arginine at codon 11454 is replaced by glutamine, an amino acid with highly similar properties. This amino acid position is not well conserved in available vertebrate species. In addition, this alteration is predicted to be tolerated by in silico analysis. Since supporting evidence is limited at this time, the clinical significance of this alteration remains unclear.

Illumina Laboratory Services, Illumina
Classification: Uncertain significance for Myopathy, myofibrillar, 9, with early respiratory failure. Last evaluated: 2018-01-13. Review status: criteria provided, single submitter. Criteria: ICSL Variant Classification Criteria 13 December 2019. Collection method: clinical testing. Allele origin: germline.

Illumina Laboratory Services, Illumina
Classification: Uncertain significance for Autosomal recessive limb-girdle muscular dystrophy type 2J. Last evaluated: 2018-01-13. Review status: criteria provided, single submitter. Criteria: ICSL Variant Classification Criteria 13 December 2019. Collection method: clinical testing. Allele origin: germline.

Illumina Laboratory Services, Illumina
Classification: Uncertain significance for Dilated cardiomyopathy 1G. Last evaluated: 2018-01-13. Review status: criteria provided, single submitter. Criteria: ICSL Variant Classification Criteria 13 December 2019. Collection method: clinical testing. Allele origin: germline.

Illumina Laboratory Services, Illumina
Classification: Uncertain significance for Tibial muscular dystrophy. Last evaluated: 2018-01-13. Review status: criteria provided, single submitter. Criteria: ICSL Variant Classification Criteria 13 December 2019. Collection method: clinical testing. Allele origin: germline.

Illumina Laboratory Services, Illumina
Classification: Uncertain significance for Early-onset myopathy with fatal cardiomyopathy. Last evaluated: 2018-01-13. Review status: criteria provided, single submitter. Criteria: ICSL Variant Classification Criteria 13 December 2019. Collection method: clinical testing. Allele origin: germline.

Laboratory for Molecular Medicine, Mass General Brigham Personalized Medicine
Classification: Likely benign. Last evaluated: 2017-01-23. Review status: criteria provided, single submitter. Criteria: LMM Criteria. Collection method: clinical testing. Allele origin: germline. Observed: 1 variant allele.
Comment: p.Arg17951Gln in exon 253 of TTN: This variant is not expected to have clinical significance due to a lack of conservation across species, including mammals. Of note, 3 mammals (Tibetian antelope, domestic goat, and aardvark) have a glutami ne (Gln) at this position despite high nearby amino acid conservation. In additi on, computational prediction tools do not suggest a high likelihood of impact to the protein.

Eurofins Ntd Llc (ga)
Classification: Uncertain significance. Last evaluated: 2014-01-27. Review status: criteria provided, single submitter. Criteria: EGL Classification Definitions 2015. Collection method: clinical testing. Allele origin: germline. Observed: 1 variant allele, 1 heterozygote.